The following is an entry in ClinVar:

ClinVar aggregate classification (germline): Pathogenic/Likely pathogenic. Review status: criteria provided, multiple submitters, no conflicts (2 of 4 stars). 14 submissions from 14 submitters: Pathogenic (9); Likely pathogenic (3). 2 of the submissions do not count toward it. Last evaluated 2026-01-05.

Conditions:
Intellectual disability. Also called: Intellectual functioning disability; intellectual disabilities; Intellectual developmental disorder. Identifiers: MedGen C3714756, MeSH D008607, MONDO:0001071, HP:0001249.
Abnormality of the outer ear. Also called: External ear malformation. Identifiers: MedGen C1846460, HP:0000356.
Inborn genetic diseases. Identifiers: MedGen C0950123, MeSH D030342.
Turnpenny-fry syndrome. Also called: NEUROCARDIOSKELETAL SYNDROME. Identifiers: Orphanet 688642, MedGen C5193060, MONDO:0032707, OMIM 618371.
Global developmental delay (DD). Also called: Cognitive delay. Identifiers: MedGen C0557874, HP:0001263. Disease mechanism: loss of function.

Submissions (14):

Labcorp Genetics (formerly Invitae), Labcorp
Classification: Pathogenic. Last evaluated: 2026-01-05. Review status: criteria provided, single submitter. Criteria: Invitae Variant Classification Sherloc (09022015). Collection method: clinical testing. Allele origin: germline.
Comment: This sequence change replaces proline, which is neutral and non-polar, with leucine, which is neutral and non-polar, at codon 65 of the PCGF2 protein (p.Pro65Leu). This variant is not present in population databases (gnomAD no frequency). This missense change has been observed in individual(s) with clinical features of Turnpenny-Fry syndrome (PMID: 30343942). In at least one individual the variant was observed to be de novo. ClinVar contains an entry for this variant (Variation ID: 619193). Invitae Evidence Modeling of protein sequence and biophysical properties (such as structural, functional, and spatial information, amino acid conservation, physicochemical variation, residue mobility, and thermodynamic stability) indicates that this missense variant is not expected to disrupt PCGF2 protein function with a negative predictive value of 80%. For these reasons, this variant has been classified as Pathogenic.

3billion
Classification: Pathogenic for Turnpenny-fry syndrome. Last evaluated: 2025-05-27. Review status: criteria provided, single submitter. Criteria: ACMG Guidelines, 2015. Collection method: clinical testing. Allele origin: germline. Affected: yes.
Comment: The variant is not observed in the gnomAD v4.1.0 dataset. Predicted Consequence/Location: Missense variant. Missense changes are a common disease-causing mechanism. In silico tool predictions suggest damaging effect of the variant on gene or gene product [3Cnet: 0.93 (> 0.75, sensitivity 0.96 and precision 0.92)]. The same nucleotide change resulting in the same amino acid change has been previously reported as pathogenic/likely pathogenic with strong evidence (ClinVar ID: VCV000619193 /PMID: 25533962). Different missense changes at the same codon (p.Pro65Arg, p.Pro65Ser) have been reported as pathogenic/likely pathogenic with strong evidence (ClinVar ID: VCV000624617, VCV001298700 /PMID: 30343942). Therefore, this variant is classified as Pathogenic according to the recommendation of ACMG/AMP guideline.

GeneDx
Classification: Pathogenic. Last evaluated: 2023-10-13. Review status: criteria provided, single submitter. Criteria: GeneDx Variant Classification Process June 2021. Collection method: clinical testing. Allele origin: germline. Affected: yes.
Comment: Not observed at significant frequency in large population cohorts (gnomAD); In silico analysis supports that this missense variant has a deleterious effect on protein structure/function; This variant is associated with the following publications: (PMID: 30343942, 28628100, 28867141, 28135719, 31278258, 27535533, 31785789, 34750959, 25533962)

Ambry Genetics
Classification: Pathogenic for Inborn genetic diseases. Last evaluated: 2022-10-28. Review status: criteria provided, single submitter. Criteria: Ambry Variant Classification Scheme 2023. Collection method: clinical testing. Allele origin: germline.
Comment: The c.194C>T (p.P65L) alteration is located in exon 4 (coding exon 2) of the PCGF2 gene. This alteration results from a C to T substitution at nucleotide position 194, causing the proline (P) at amino acid position 65 to be replaced by a leucine (L). This variant was not reported in population-based cohorts in the Genome Aggregation Database (gnomAD). This variant has been identified as a recurrent de novo variant in multiple individuals with Turnpenny-Fry syndrome with features including a recognizable facial gestalt, intellectual disability, feeding problems, impaired growth, and a range of brain, cardiovascular, and skeletal abnormalities (Turnpenny, 2018; Ambry internal data). In one family, this variant was detected as mosaic in the asymptomatic mother (Turnpenny, 2018). This amino acid position is highly conserved in available vertebrate species. This alteration is predicted to be tolerated by in silico analysis. Based on the available evidence, this alteration is classified as pathogenic.

Cytogénomique, Hospices Civils de Lyon
Classification: Likely pathogenic for Global developmental delay. Last evaluated: 2019-11-01. Review status: criteria provided, single submitter. Criteria: ACMG Guidelines, 2015. Collection method: clinical testing. Allele origin: de novo. Affected: yes.

Cambridge Genomics Laboratory, East Genomic Laboratory Hub, NHS Genomic Medicine Service
Classification: Pathogenic for Intellectual disability. Last evaluated: 2019-08-08. Review status: criteria provided, single submitter. Criteria: ACGS Best Practice Guidelines for Variant Classification in Rare Disease 2020. Collection method: clinical testing. Allele origin: germline. Affected: yes. Observed: 1 variant allele.

SIB Swiss Institute of Bioinformatics
Classification: Likely pathogenic for Turnpenny-fry syndrome. Last evaluated: 2019-07-16. Review status: criteria provided, single submitter. Criteria: ACMG Guidelines, 2015. Collection method: curation. Allele origin: unknown.
Comment: This variant is interpreted as a Likely pathogenic for Turnpenny-Fry syndrome, autosomal dominant. The following ACMG Tag(s) were applied: PM2, PS4-Moderate, PM6.

Equipe Genetique des Anomalies du Developpement, Université de Bourgogne
Classification: Pathogenic for Turnpenny-fry syndrome. Last evaluated: 2019-05-13. Review status: criteria provided, single submitter. Criteria: ACMG Guidelines, 2015. Collection method: clinical testing. Allele origin: de novo. Affected: yes.

Laboratory for Molecular Medicine, Mass General Brigham Personalized Medicine
Classification: Likely pathogenic for Intellectual disability. Last evaluated: 2018-03-29. Review status: criteria provided, single submitter. Criteria: ACMG Guidelines, 2015. Collection method: clinical testing. Allele origin: germline. Inheritance: Autosomal dominant inheritance.
Comment: The heterozygous p.Pro65Leu variant in PCGF2 has been identified as de novo in at least four individuals including this patient being tested (PMID: 25533962, DECIPHER database, Broad Institute Rare Genomes Project) all with overlapping features of intellectual disability, external ear abnormalities, and dysmorphic features. It is absent from the Genome Aggregation Database (gnomAD). Additionally, the proline (Pro) at position 65 is highly conserved in mammals and evolutionarily distant species, suggesting that a change at this position may be disruptive. A mouse model with a complete homozygous knockout of this gene leads to early death of mice, suggesting the gene is critical for humans; however, heterozygotes were normal and no model is available for the Pro65Leu variant which may act through a distinct gain of function mechanism.

Clinical Genetics Service, Universitary Hospital 12 de Octubre
Classification: Pathogenic for Turnpenny-fry syndrome. Review status: criteria provided, single submitter. Criteria: ACMG Guidelines, 2015. Collection method: clinical testing. Allele origin: de novo. Affected: yes.

Institute of Human Genetics, University Hospital of Duesseldorf
Classification: Pathogenic for Turnpenny-fry syndrome. Review status: criteria provided, single submitter. Criteria: ACMG Guidelines, 2015. Collection method: not provided. Allele origin: germline. Inheritance: Autosomal dominant inheritance. Affected: yes.

Juno Genomics, Hangzhou Juno Genomics, Inc
Classification: Pathogenic for Turnpenny-fry syndrome. Review status: criteria provided, single submitter. Criteria: ACMG Guidelines, 2015. Collection method: clinical testing. Allele origin: germline. Affected: yes.
Comment: Absent from controls (or at extremely low frequency if recessive) in Genome Aggregation Database, Exome Sequencing Project, 1000 Genomes Project, or Exome Aggregation Consortium.;The prevalence of the variant in affected individuals is significantly increased compared to the prevalence in controls.;De novo (both maternity and paternity confirmed) in a patient with the disease and no family history.;Patient's phenotype or family history is highly specific for a disease with a single genetic etiology.

OMIM
Classification: Pathogenic for TURNPENNY-FRY SYNDROME. Last evaluated: 2022-09-25. Review status: no assertion criteria provided. Collection method: literature only. Allele origin: germline. Not counted in ClinVar's aggregate classification.

Broad Center for Mendelian Genomics, Broad Institute of MIT and Harvard
Classification: Likely pathogenic for Intellectual disability; Abnormality of the outer ear. Last evaluated: 2018-03-29. Review status: no assertion criteria provided. Collection method: research. Allele origin: de novo. Inheritance: Autosomal dominant inheritance. Affected: yes. Not counted in ClinVar's aggregate classification.
Comment: The heterozygous p.Pro65Leu variant in PCGF2 has been identified as de novo in at least four individuals including this patient being tested (PMID: 25533962, DECIPHER database, Broad Institute Rare Genomes Project) with overlapping features of intellectual disability, external ear abnormalities, and dysmorphic features. It is absent from the Genome Aggregation Database (gnomAD). Additionally, the proline (Pro) at position 65 is highly conserved in mammals and in evolutionarily distant species, suggesting that a change at this position may be disruptive. A mouse model with a complete homozygous knockout of this gene leads to early death of mice, suggesting the gene is critical for humans; however, heterozygotes were normal and no model is available for the Pro65Leu variant which may act through a distinct gain of function mechanism.

Literature cited by the submitters: PubMed 30343942 (cited by 5 submitters); PubMed 25533962 (cited by 3billion); PubMed 15525528 (cited by OMIM).

NM_007144.3(PCGF2):c.194C>T (p.Pro65Leu)

Gene: PCGF2 (polycomb group ring finger 2; minus strand). Cytogenetic location: 17q12.
Variant type: single nucleotide variant.
Coding change: c.194C>T on transcript NM_007144.3 (MANE Select); coding-DNA position 194, C replaced by T.
Protein change: p.Pro65Leu; replaces proline 65 with leucine.
Molecular consequence: missense variant.
Genome position (GRCh38, 1-based): chr17:38,739,601, G>A on the plus strand (C>T on the coding strand, the complement: PCGF2 is on the minus strand). VCF-style: chr17-38739601-G-A. GRCh37 (hg19) VCF-style: chr17-36895854-G-A.
Other names: c.194C>T, p.Pro65Leu (NM_001369614.1, NM_001369615.1); short protein forms P65L.
Identifiers: ClinVar variation 619193 (VCV000619193.24), dbSNP rs1567941252, ClinGen allele CA398822422.
Genomic context (GRCh38, chr17:38,739,601, plus strand): 5'-TGACCCAGAGGATCGCGGGGACAGGAGGTGCCGTGCCAAGCCCACCTGATGCTCAGCAGC[G>A]GCCGGGTTTTATGGACCTGCACGTCACACATGGGGCAGTATTTGTTGGTCTCCAGGTAGC-3'
Protein context (NP_009075.1, residues 55-75): MCDVQVHKTR[Pro65Leu]LLSIRSDKTL